The following is an entry in ClinVar:

ClinVar aggregate classification (germline): Uncertain significance (1 of 4 stars; one submission).

Conditions:
SRRM2-related disorder. Also called: SRRM2-related condition.

gnomAD v4.1: 3 of 1,614,194 alleles (0.00019%); highest among the groups gnomAD compares: East Asian, 0.0067%; no homozygotes.

Submission:

PreventionGenetics, part of Exact Sciences
Classification: Uncertain significance for SRRM2-related condition. Last evaluated: 2026-04-23. Review status: criteria provided, single submitter. Criteria: ACMG Guidelines, 2015. Collection method: clinical testing. Allele origin: germline.
Comment: The SRRM2 c.4682C>A variant is predicted to result in the amino acid substitution p.Ser1561Tyr. To our knowledge, this variant has not been reported in the literature or in a large population database (gnomAD), indicating this variant is rare. At this time, the clinical significance of this variant is uncertain due to the absence of conclusive functional and genetic evidence.

NM_016333.4(SRRM2):c.4682C>A (p.Ser1561Tyr)

Gene: SRRM2 (serine/arginine repetitive matrix 2; plus strand). Cytogenetic location: 16p13.3.
Variant type: single nucleotide variant.
Coding change: c.4682C>A on transcript NM_016333.4 (MANE Select); coding-DNA position 4682, C replaced by A.
Protein change: p.Ser1561Tyr; replaces serine 1561 with tyrosine.
Molecular consequence: missense variant.
Genome position (GRCh38, 1-based): chr16:2,765,210, C>A. VCF-style: chr16-2765210-C-A. GRCh37 (hg19) VCF-style: chr16-2815211-C-A.
Other names: short protein forms S1561Y.
Identifiers: ClinVar variation 4983487 (VCV004983487.1).
Genomic context (GRCh38, chr16:2,765,210, plus strand): 5'-CCTCTCAAGAACTTGATGTGAAACCCAGTGCATCCCCTCAGGAAAGAAGTGAGTCAGACT[C>A]TTCTCCAGATTCTAAAGCCAAGACAAGAACCCCACTTCGGCAGAGGAGTCGGTCTGGATC-3'
Protein context (NP_057417.3, residues 1551-1571): ASPQERSESD[Ser1561Tyr]SPDSKAKTRT